The following is an entry in ClinVar:

ClinVar aggregate classification (germline): Uncertain significance (1 of 4 stars; one submission).

gnomAD v4.1: 9 of 1,528,514 alleles (0.00059%); highest among the groups gnomAD compares: Non-Finnish European, 0.0008%; no homozygotes.

Submission:

CeGaT Center for Human Genetics Tuebingen
Classification: Uncertain significance. Last evaluated: 2026-05-01. Review status: criteria provided, single submitter. Criteria: CeGaT Center For Human Genetics Tuebingen Variant Classification Criteria Version 2. Collection method: clinical testing. Allele origin: germline. Affected: yes. Observed: 1 variant allele.
Comment: PKD1: PM2, BP4

NM_001009944.3(PKD1):c.1386-6C>A

Gene: PKD1 (polycystin 1, transient receptor potential channel interacting; minus strand). Cytogenetic location: 16p13.3.
Variant type: single nucleotide variant.
Coding change: c.1386-6C>A on transcript NM_001009944.3 (MANE Select); 6 bases into the intron before coding-DNA position 1386, C replaced by A.
Molecular consequence: intron variant.
Genome position (GRCh38, 1-based): chr16:2,117,059, G>T on the plus strand (C>A on the coding strand, the complement: PKD1 is on the minus strand). VCF-style: chr16-2117059-G-T. GRCh37 (hg19) VCF-style: chr16-2167060-G-T.
Other names: c.1386-6C>A (NM_000296.4).
Identifiers: ClinVar variation 4873467 (VCV004873467.2).